The following is an entry in ClinVar:

NM_015275.3(WASHC4):c.3288C>G (p.Ala1096=)

Gene: WASHC4 (WASH complex subunit 4; plus strand). Cytogenetic location: 12q23.3.
Variant type: single nucleotide variant.
Coding change: c.3288C>G on transcript NM_015275.3 (MANE Select); coding-DNA position 3288, C replaced by G.
Protein change: p.Ala1096=; no amino-acid change (alanine 1096 retained).
Molecular consequence: synonymous variant.
Genome position (GRCh38, 1-based): chr12:105,164,241, C>G. VCF-style: chr12-105164241-C-G. GRCh37 (hg19) VCF-style: chr12-105558019-C-G.
Other names: c.3291C>G, p.Ala1097= (NM_001293640.2).
Identifiers: ClinVar variation 778080 (VCV000778080.38), dbSNP rs143138958, ClinGen allele CA6759205.

ClinVar aggregate classification (germline): Benign/Likely benign. Review status: criteria provided, multiple submitters, no conflicts (2 of 4 stars). 2 submissions from 2 submitters: Benign (1); Likely benign (1). Last evaluated 2026-08-01.

Allele frequency attached by ClinVar (database versions not stated): 1000 Genomes Project 30x 0.00187; 1000 Genomes Project 0.00200; TOPMed 0.00301; gnomAD 0.00381 and 0.00388; gnomAD exomes 0.00411 and 0.00494; ExAC 0.00428; ESP Exome Variant Server 0.00493.
gnomAD v4.1: 7,770 of 1,614,010 alleles (0.48%); highest among the groups gnomAD compares: Non-Finnish European, 0.53%; 19 homozygotes.

Submissions (2):

CeGaT Center for Human Genetics Tuebingen
Classification: Likely benign. Last evaluated: 2026-08-01. Review status: criteria provided, single submitter. Criteria: CeGaT Center For Human Genetics Tuebingen Variant Classification Criteria Version 2. Collection method: clinical testing. Allele origin: germline. Affected: yes. Observed: 18 variant alleles.
Comment: WASHC4: BP4, BP7, BS2

Labcorp Genetics (formerly Invitae), Labcorp
Classification: Benign. Last evaluated: 2019-12-31. Review status: criteria provided, single submitter. Criteria: Invitae Variant Classification Sherloc (09022015). Collection method: clinical testing. Allele origin: germline.